The following is an entry in ClinVar:

ClinVar aggregate classification (germline): Pathogenic/Likely pathogenic. Review status: criteria provided, multiple submitters, no conflicts (2 of 4 stars). 4 submissions from 4 submitters: Pathogenic (1); Likely pathogenic (3). Last evaluated 2026-01-22.

Conditions:
TTC21B-related disorder. Also called: TTC21B-related condition; TTC21B-related disorders.
Jeune thoracic dystrophy. Also called: Jeune syndrome; Infantile thoracic dystrophy; Thoracic pelvic phalangeal dystrophy; Jeune's syndrome; Chondroectodermal dysplasia-like syndrome; Short-rib thoracic dysplasia. Identifiers: Orphanet 474, MedGen C0265275, MONDO:0018770.
Nephronophthisis. Also called: Juvenile Nephronophthisis. Identifiers: Orphanet 655, MedGen C0687120, MONDO:0019005, HP:0000090.
Nephronophthisis 12 (NPHP12). Identifiers: Orphanet 655, MedGen C3151186, MONDO:0013442, OMIM 613820.
Asphyxiating thoracic dystrophy 4 (SRTD4). Also called: SHORT-RIB THORACIC DYSPLASIA 4 WITH OR WITHOUT POLYDACTYLY; SHORT-RIB THORACIC DYSPLASIA 4. Identifiers: Orphanet 474, MedGen C3151185, MONDO:0013441, OMIM 613819.

Allele frequency attached by ClinVar (database versions not stated): gnomAD exomes 0.00001; TOPMed 0.00001; ExAC 0.00002; gnomAD 0.00002; ESP Exome Variant Server 0.00008; 1000 Genomes Project 30x 0.00016; 1000 Genomes Project 0.00020.
gnomAD v4.1: 19 of 1,613,678 alleles (0.0012%); highest among the groups gnomAD compares: South Asian, 0.0088%; no homozygotes.

Submissions (4):

PreventionGenetics, part of Exact Sciences
Classification: Likely pathogenic for TTC21B-related condition. Last evaluated: 2026-01-22. Review status: criteria provided, single submitter. Criteria: ACMG Guidelines, 2015. Collection method: clinical testing. Allele origin: germline.
Comment: The TTC21B c.3130C>T variant is predicted to result in premature protein termination (p.Arg1044*). To our knowledge, this variant has not been reported in the literature. This variant is reported in 0.0098% of alleles in individuals of South Asian descent in gnomAD. Nonsense variants in TTC21B are expected to be pathogenic. This variant is interpreted as likely pathogenic.

Labcorp Genetics (formerly Invitae), Labcorp
Classification: Pathogenic for Jeune thoracic dystrophy; Nephronophthisis. Last evaluated: 2024-04-16. Review status: criteria provided, single submitter. Criteria: Invitae Variant Classification Sherloc (09022015). Collection method: clinical testing. Allele origin: germline.
Comment: This sequence change creates a premature translational stop signal (p.Arg1044*) in the TTC21B gene. It is expected to result in an absent or disrupted protein product. Loss-of-function variants in TTC21B are known to be pathogenic (PMID: 18327258, 21068128, 21258341, 23559409, 24876116, 25492405, 27491411, 29068549). This variant is present in population databases (rs202239983, gnomAD 0.01%). This variant has not been reported in the literature in individuals affected with TTC21B-related conditions. ClinVar contains an entry for this variant (Variation ID: 1983220). For these reasons, this variant has been classified as Pathogenic.

Fulgent Genetics
Classification: Likely pathogenic for Asphyxiating thoracic dystrophy 4; Nephronophthisis 12. Last evaluated: 2024-02-26. Review status: criteria provided, single submitter. Criteria: ACMG Guidelines, 2015. Collection method: clinical testing. Allele origin: germline.

Blueprint Genetics
Classification: Likely pathogenic for TTC21B-related disorders. Last evaluated: 2021-05-19. Review status: criteria provided, single submitter. Criteria: ACMG Guidelines, 2015. Collection method: clinical testing. Allele origin: germline. Affected: yes. Observed: 2 variant alleles.

Literature cited by the submitters: PubMed 18327258 (cited by Labcorp Genetics (formerly Invitae), Labcorp); PubMed 21068128 (cited by Labcorp Genetics (formerly Invitae), Labcorp); PubMed 21258341 (cited by Labcorp Genetics (formerly Invitae), Labcorp); PubMed 23559409 (cited by Labcorp Genetics (formerly Invitae), Labcorp); PubMed 24876116 (cited by Labcorp Genetics (formerly Invitae), Labcorp); PubMed 25492405 (cited by Labcorp Genetics (formerly Invitae), Labcorp); PubMed 27491411 (cited by Labcorp Genetics (formerly Invitae), Labcorp); PubMed 29068549 (cited by Labcorp Genetics (formerly Invitae), Labcorp).

NM_024753.5(TTC21B):c.3130C>T (p.Arg1044Ter)

Gene: TTC21B (tetratricopeptide repeat domain 21B; minus strand). Cytogenetic location: 2q24.3.
Variant type: single nucleotide variant.
Coding change: c.3130C>T on transcript NM_024753.5 (MANE Select); coding-DNA position 3130, C replaced by T.
Protein change: p.Arg1044Ter; replaces arginine 1044 with a stop codon.
Molecular consequence: nonsense.
Genome position (GRCh38, 1-based): chr2:165,890,612, G>A on the plus strand (C>T on the coding strand, the complement: TTC21B is on the minus strand). VCF-style: chr2-165890612-G-A. GRCh37 (hg19) VCF-style: chr2-166747122-G-A.
Other names: c.3130C>T (NM_024753.4); short protein forms R1044*.
Identifiers: ClinVar variation 1983220 (VCV001983220.7), dbSNP rs202239983, ClinGen allele CA1941577.